The following is an entry in ClinVar:

ClinVar aggregate classification (germline): Uncertain significance. Review status: criteria provided, multiple submitters, no conflicts (2 of 4 stars). 2 submissions from 2 submitters: Uncertain significance (2). Last evaluated 2026-01-05.

Conditions:
Hypertrophic cardiomyopathy. Also called: HYPERTROPHIC MYOCARDIOPATHY. Identifiers: Orphanet 217569, MedGen C0007194, MeSH D002312, MONDO:0005045, HP:0001639.

Allele frequency attached by ClinVar (database versions not stated): gnomAD 0.00001; gnomAD exomes 0.00001 and 0.00002; TOPMed 0.00003; ExAC 0.00005.
gnomAD v4.1: 16 of 1,613,428 alleles (0.00099%); highest among the groups gnomAD compares: Admixed American, 0.012%; no homozygotes.

Submissions (2):

Labcorp Genetics (formerly Invitae), Labcorp
Classification: Uncertain significance for Hypertrophic cardiomyopathy. Last evaluated: 2026-01-05. Review status: criteria provided, single submitter. Criteria: Invitae Variant Classification Sherloc (09022015). Collection method: clinical testing. Allele origin: germline.
Comment: This sequence change replaces threonine, which is neutral and polar, with methionine, which is neutral and non-polar, at codon 727 of the MYOM1 protein (p.Thr727Met). This variant is present in population databases (rs766680309, gnomAD 0.01%). This variant has not been reported in the literature in individuals affected with MYOM1-related conditions. ClinVar contains an entry for this variant (Variation ID: 1493045). Invitae Evidence Modeling of protein sequence and biophysical properties (such as structural, functional, and spatial information, amino acid conservation, physicochemical variation, residue mobility, and thermodynamic stability) indicates that this missense variant is expected to disrupt MYOM1 protein function with a positive predictive value of 80%. In summary, the available evidence is currently insufficient to determine the role of this variant in disease. Therefore, it has been classified as a Variant of Uncertain Significance.

Ambry Genetics
Classification: Uncertain significance. Last evaluated: 2021-08-02. Review status: criteria provided, single submitter. Criteria: Ambry Variant Classification Scheme 2023. Collection method: clinical testing. Allele origin: germline.

NM_003803.4(MYOM1):c.2180C>T (p.Thr727Met)

Gene: MYOM1 (myomesin 1; minus strand). Cytogenetic location: 18p11.31.
Variant type: single nucleotide variant.
Coding change: c.2180C>T on transcript NM_003803.4 (MANE Select); coding-DNA position 2180, C replaced by T.
Protein change: p.Thr727Met; replaces threonine 727 with methionine.
Molecular consequence: missense variant.
Genome position (GRCh38, 1-based): chr18:3,135,576, G>A on the plus strand (C>T on the coding strand, the complement: MYOM1 is on the minus strand). VCF-style: chr18-3135576-G-A. GRCh37 (hg19) VCF-style: chr18-3135574-G-A.
Other names: c.2180C>T, p.Thr727Met (NM_019856.2); c.2180C>T (NM_003803.3); short protein forms T727M.
Identifiers: ClinVar variation 1493045 (VCV001493045.9), dbSNP rs766680309, ClinGen allele CA8874723.